The following is an entry in ClinVar:

NM_001161425.2(ZNF610):c.610T>C (p.Tyr204His)

Gene: ZNF610 (zinc finger protein 610; plus strand). Cytogenetic location: 19q13.41.
Variant type: single nucleotide variant.
Coding change: c.610T>C on transcript NM_001161425.2 (MANE Select); coding-DNA position 610, T replaced by C.
Protein change: p.Tyr204His; replaces tyrosine 204 with histidine.
Molecular consequence: missense variant.
Genome position (GRCh38, 1-based): chr19:52,365,988, T>C. VCF-style: chr19-52365988-T-C. GRCh37 (hg19) VCF-style: chr19-52869241-T-C.
Other names: c.610T>C, p.Tyr204His (NM_001161426.2, NM_173530.3); c.481T>C, p.Tyr161His (NM_001161427.2); c.610T>C (NM_001161425.1); short protein forms Y161H, Y204H.
Identifiers: ClinVar variation 2650388 (VCV002650388.25), dbSNP rs117897872, ClinGen allele CA9622670.

ClinVar aggregate classification (germline): Conflicting classifications of pathogenicity. Review status: criteria provided, conflicting classifications (1 of 4 stars). 2 submissions from 2 submitters: Uncertain significance (1); Likely benign (1). Last evaluated 2025-08-28.

Allele frequency attached by ClinVar (database versions not stated): 1000 Genomes Project 0.00160; 1000 Genomes Project 30x 0.00187; TOPMed 0.00361; ExAC 0.00400; gnomAD 0.00411; ESP Exome Variant Server 0.00485; gnomAD exomes 0.00577.
gnomAD v4.1: 8,970 of 1,614,156 alleles (0.56%); highest among the groups gnomAD compares: Non-Finnish European, 0.69%; 42 homozygotes.

Submissions (2):

Ambry Genetics
Classification: Uncertain significance. Last evaluated: 2025-08-28. Review status: criteria provided, single submitter. Criteria: Ambry Variant Classification Scheme 2023. Collection method: clinical testing. Allele origin: germline.

CeGaT Center for Human Genetics Tuebingen
Classification: Likely benign. Last evaluated: 2022-09-01. Review status: criteria provided, single submitter. Criteria: CeGaT Center For Human Genetics Tuebingen Variant Classification Criteria Version 2. Collection method: clinical testing. Allele origin: germline. Affected: yes. Observed: 1 variant allele.
Comment: ZNF610: BP4, BS2